The following is an entry in ClinVar:

ClinVar aggregate classification (germline): Benign/Likely benign. Review status: criteria provided, multiple submitters, no conflicts (2 of 4 stars). 4 submissions from 4 submitters: Benign (2); Likely benign (1). 1 of the submissions does not count toward it. Last evaluated 2026-01-13.

Conditions:
EEM syndrome (EEMS). Identifiers: Orphanet 1897, MedGen C1857041, MONDO:0009155, OMIM 225280.
CDH3-related disorder. Also called: CDH3-related condition.

Allele frequency attached by ClinVar (database versions not stated): gnomAD 0.00086; ExAC 0.00090; gnomAD exomes 0.00147; TOPMed 0.00175; 1000 Genomes Project 30x 0.00265; 1000 Genomes Project 0.00319.
gnomAD v4.1: 595 of 1,544,556 alleles (0.039%); highest among the groups gnomAD compares: East Asian, 1.3%; 4 homozygotes.

Submissions (4):

Labcorp Genetics (formerly Invitae), Labcorp
Classification: Benign. Last evaluated: 2026-01-13. Review status: criteria provided, single submitter. Criteria: Invitae Variant Classification Sherloc (09022015). Collection method: clinical testing. Allele origin: germline.

Blueprint Genetics
Classification: Likely benign. Last evaluated: 2024-11-21. Review status: criteria provided, single submitter. Criteria: ACMG Guidelines, 2015. Collection method: clinical testing. Allele origin: germline.

Illumina Laboratory Services, Illumina
Classification: Benign for EEM syndrome. Last evaluated: 2018-01-13. Review status: criteria provided, single submitter. Criteria: ICSL Variant Classification Criteria 13 December 2019. Collection method: clinical testing. Allele origin: germline.
Comment: This variant was observed in the ICSL laboratory as part of a predisposition screen in an ostensibly healthy population. It had not been previously curated by ICSL or reported in the Human Gene Mutation Database (HGMD: prior to June 1st, 2018), and was therefore a candidate for classification through an automated scoring system. Utilizing variant allele frequency, disease prevalence and penetrance estimates, and inheritance mode, an automated score was calculated to assess if this variant is too frequent to cause the disease. Based on the score and internal cut-off values, a variant classified as benign is not then subjected to further curation. The score for this variant resulted in a classification of benign for this disease.

PreventionGenetics, part of Exact Sciences
Classification: Benign for CDH3-related condition. Last evaluated: 2019-03-07. Review status: no assertion criteria provided. Collection method: clinical testing. Allele origin: germline. Not counted in ClinVar's aggregate classification.
Comment: This variant is classified as benign based on ACMG/AMP sequence variant interpretation guidelines (Richards et al. 2015 PMID: 25741868, with internal and published modifications).

NM_001793.6(CDH3):c.141C>G (p.Pro47=)

Genes: CDH3 (cadherin 3; plus strand), CDH3-AS1 (CDH3 antisense RNA 1; minus strand). Cytogenetic location: 16q22.1.
Variant type: single nucleotide variant.
Coding change: c.141C>G on transcript NM_001793.6 (MANE Select); coding-DNA position 141, C replaced by G.
Protein change: p.Pro47=; no amino-acid change (proline 47 retained).
Molecular consequence: synonymous variant. On other transcripts: intron variant (1).
Genome position (GRCh38, 1-based): chr16:68,645,731, C>G. VCF-style: chr16-68645731-C-G. GRCh37 (hg19) VCF-style: chr16-68679634-C-G.
Other names: c.141C>G, p.Pro47= (NM_001317195.3); c.-6+307C>G (NM_001317196.2).
Identifiers: ClinVar variation 731369 (VCV000731369.17), dbSNP rs74619658, ClinGen allele CA8128930.